The following continues an entry in ClinVar:

NM_000059.4(BRCA2):c.6275_6276del (p.Leu2092fs)

Gene: BRCA2. ClinVar aggregate classification (germline): Pathogenic. Pathogenic (1).

Submissions 42 to 60 of 60:

Women's Health and Genetics/Laboratory Corporation of America, LabCorp
Classification: Pathogenic for Hereditary breast ovarian cancer syndrome. Last evaluated: 2016-07-22. Review status: criteria provided, single submitter. Criteria: LabCorp Variant Classification Summary - May 2015. Collection method: clinical testing. Allele origin: germline. Not counted in ClinVar's aggregate classification.
Comment: Variant summary: The BRCA2 c.6275_6276delTT (p.Leu2092Profs) variant results in a premature termination codon, predicted to cause a truncated or absent BRCA2 protein due to nonsense mediated decay, which are commonly known mechanisms for disease. Truncations downstream of this position have been classified as pathogenic by our laboratory (e.g.p.N2135fs). One in silico tool predicts a damaging outcome for this variant. This variant was found in 2/120912 control chromosomes at a frequency of 0.0000165, which does not exceed the estimated maximal expected allele frequency of a pathogenic BRCA2 variant (0.0007503). This variant has been reported in numerous Br/Ov cancer patients. In addition, multiple clinical diagnostic laboratories/reputable databases classified this variant as pathogenic. Taken together, this variant is classified as pathogenic.

Consortium of Investigators of Modifiers of BRCA1/2 (CIMBA), c/o University of Cambridge
Classification: Pathogenic for Breast-ovarian cancer, familial, susceptibility to, 2. Last evaluated: 2015-10-02. Review status: criteria provided, single submitter. Criteria: CIMBA Mutation Classification guidelines May 2016. Collection method: clinical testing. Allele origin: germline. Not counted in ClinVar's aggregate classification.

Clinical Genetics DNA and cytogenetics Diagnostics Lab, Erasmus MC, Erasmus Medical Center
Classification: Pathogenic for Breast-ovarian cancer, familial, susceptibility to, 2. Last evaluated: 2015-09-21. Review status: criteria provided, single submitter. Criteria: ACGS Guidelines, 2013. Collection method: clinical testing. Allele origin: germline. Affected: yes. Study: VKGL Data-share Consensus. Not counted in ClinVar's aggregate classification.

Clinical Genetics and Genomics, Karolinska University Hospital
Classification: Pathogenic. Last evaluated: 2015-06-17. Review status: criteria provided, single submitter. Criteria: ACMG Guidelines, 2015. Collection method: clinical testing. Allele origin: germline. Affected: yes. Observed: 7 variant alleles. Not counted in ClinVar's aggregate classification.

CZECANCA consortium
Classification: Pathogenic for Endometrial carcinoma. Last evaluated: 2023-02-21. Review status: no assertion criteria provided. Collection method: clinical testing. Allele origin: germline. Affected: yes. Observed: 1 variant allele. Not counted in ClinVar's aggregate classification.

Molecular Oncology, Hospital Universitario Central de Asturias (HUCA)
Classification: Pathogenic for Breast-ovarian cancer, familial, susceptibility to, 2. Last evaluated: 2021-05-24. Review status: no assertion criteria provided. Collection method: case-control. Allele origin: germline. Affected: yes. Not counted in ClinVar's aggregate classification.

BRCAlab, Lund University
Classification: Pathogenic for Breast-ovarian cancer, familial, susceptibility to, 2. Last evaluated: 2020-03-02. Review status: no assertion criteria provided. Collection method: clinical testing. Allele origin: germline. Affected: yes. Not counted in ClinVar's aggregate classification.

Foulkes Cancer Genetics LDI, Lady Davis Institute for Medical Research
Classification: Pathogenic for Breast and/or ovarian cancer. Last evaluated: 2015-08-18. Review status: no assertion criteria provided. Collection method: clinical testing. Allele origin: germline. Study: The Canadian Open Genetics Repository (COGR). Not counted in ClinVar's aggregate classification.

Pathway Genomics
Classification: Pathogenic for Breast-ovarian cancer, familial 2. Last evaluated: 2014-07-24. Review status: no assertion criteria provided. Collection method: clinical testing. Allele origin: germline. Not counted in ClinVar's aggregate classification.

Counsyl
Classification: Pathogenic for Breast-ovarian cancer, familial 2. Last evaluated: 2014-02-18. Review status: no assertion criteria provided. Collection method: literature only. Allele origin: unknown. Inheritance: Autosomal dominant inheritance. Not counted in ClinVar's aggregate classification.

Research Molecular Genetics Laboratory, Women's College Hospital, University of Toronto
Classification: Pathogenic for Hereditary breast ovarian cancer syndrome. Last evaluated: 2014-01-31. Review status: no assertion criteria provided. Collection method: research. Allele origin: germline. Affected: yes. Study: The Canadian Open Genetics Repository (COGR). Not counted in ClinVar's aggregate classification.

Sharing Clinical Reports Project (SCRP)
Classification: Pathogenic for Breast-ovarian cancer, familial 2. Last evaluated: 2013-10-16. Review status: no assertion criteria provided. Collection method: clinical testing. Allele origin: germline. Not counted in ClinVar's aggregate classification.

Breast Cancer Information Core (BIC) (BRCA2)
Classification: Pathogenic for Breast-ovarian cancer, familial 2. Last evaluated: 2002-05-29. Review status: no assertion criteria provided. Collection method: clinical testing. Allele origin: germline, unknown. Affected: yes. Observed: 96 variant alleles. Not counted in ClinVar's aggregate classification.

OMIM
Classification: Pathogenic for BREAST-OVARIAN CANCER, FAMILIAL, SUSCEPTIBILITY TO, 2. Last evaluated: 2001-01-01. Review status: no assertion criteria provided. Collection method: literature only. Allele origin: germline. Not counted in ClinVar's aggregate classification.

Clinical Genetics Laboratory, Department of Pathology, Netherlands Cancer Institute
Classification: Pathogenic. Review status: no assertion criteria provided. Collection method: clinical testing. Allele origin: germline. Affected: yes. Study: VKGL Data-share Consensus. Not counted in ClinVar's aggregate classification.

Department of Pathology and Laboratory Medicine, Sinai Health System
Classification: Uncertain significance. Review status: no assertion criteria provided. Collection method: clinical testing. Allele origin: unknown. Affected: yes. Observed: 1 variant allele. Study: The Canadian Open Genetics Repository (COGR). Not counted in ClinVar's aggregate classification.

Diagnostic Laboratory, Department of Genetics, University Medical Center Groningen
Classification: Pathogenic for Breast-ovarian cancer, familial, susceptibility to, 2. Review status: no assertion criteria provided. Collection method: clinical testing. Allele origin: germline. Affected: yes. Study: VKGL Data-share Consensus. Not counted in ClinVar's aggregate classification.

Joint Genome Diagnostic Labs from Nijmegen and Maastricht, Radboudumc and MUMC+
Classification: Pathogenic. Review status: no assertion criteria provided. Collection method: clinical testing. Allele origin: germline. Affected: yes. Study: VKGL Data-share Consensus. Not counted in ClinVar's aggregate classification.

Laboratory of Diagnostic Genome Analysis, Leiden University Medical Center (LUMC)
Classification: Pathogenic. Review status: no assertion criteria provided. Collection method: clinical testing. Allele origin: germline. Affected: yes. Study: VKGL Data-share Consensus. Not counted in ClinVar's aggregate classification.

Literature cited by the submitters: PubMed 20104584 (cited by Labcorp Genetics (formerly Invitae), Labcorp); PubMed 8524414 (cited by 6 submitters); PubMed 20736950 (cited by 4 submitters); PubMed 21324516 (cited by 8 submitters); PubMed 22006311 (cited by 5 submitters); PubMed 22009639 (cited by 5 submitters); PubMed 23199084 (cited by 7 submitters); PubMed 29335925 (cited by 3 submitters); PubMed 29446198 (cited by Mayo Clinic Laboratories, Mayo Clinic); PubMed 32853339 (cited by Mayo Clinic Laboratories, Mayo Clinic and Quest Diagnostics Nichols Institute San Juan Capistrano); PubMed 32918181 (cited by Mayo Clinic Laboratories, Mayo Clinic and Quest Diagnostics Nichols Institute San Juan Capistrano); PubMed 23479189 (cited by Color Diagnostics, LLC DBA Color Health and All of Us Research Program, National Institutes of Health); PubMed 24156927 (cited by Color Diagnostics, LLC DBA Color Health and All of Us Research Program, National Institutes of Health); PubMed 26026974 (cited by 5 submitters); PubMed 29566657 (cited by 4 submitters); PubMed 33471991 (cited by 3 submitters); PubMed 27153395 (cited by Ambry Genetics and Quest Diagnostics Nichols Institute San Juan Capistrano); PubMed 11359068 (cited by 3 submitters); PubMed 29915322 (cited by Quest Diagnostics Nichols Institute San Juan Capistrano and Laboratory for Molecular Medicine, Mass General Brigham Personalized Medicine); PubMed 29909963 (cited by Quest Diagnostics Nichols Institute San Juan Capistrano and Laboratory for Molecular Medicine, Mass General Brigham Personalized Medicine); PubMed 11597388 (cited by Quest Diagnostics Nichols Institute San Juan Capistrano and Pathway Genomics); PubMed 25085752 (cited by Quest Diagnostics Nichols Institute San Juan Capistrano and Laboratory for Molecular Medicine, Mass General Brigham Personalized Medicine); PubMed 29625052 (cited by Quest Diagnostics Nichols Institute San Juan Capistrano); PubMed 29945567 (cited by Quest Diagnostics Nichols Institute San Juan Capistrano); PubMed 30093976 (cited by Quest Diagnostics Nichols Institute San Juan Capistrano); PubMed 30267214 (cited by Quest Diagnostics Nichols Institute San Juan Capistrano); PubMed 30322717 (cited by Quest Diagnostics Nichols Institute San Juan Capistrano); PubMed 30612635 (cited by Quest Diagnostics Nichols Institute San Juan Capistrano); PubMed 30630528 (cited by Quest Diagnostics Nichols Institute San Juan Capistrano); PubMed 30720243 (cited by Quest Diagnostics Nichols Institute San Juan Capistrano); PubMed 30787465 (cited by Quest Diagnostics Nichols Institute San Juan Capistrano); PubMed 30875412 (cited by Quest Diagnostics Nichols Institute San Juan Capistrano); PubMed 31090900 (cited by Quest Diagnostics Nichols Institute San Juan Capistrano); PubMed 31447099 (cited by Quest Diagnostics Nichols Institute San Juan Capistrano); PubMed 31589614 (cited by Quest Diagnostics Nichols Institute San Juan Capistrano); PubMed 31825140 (cited by Quest Diagnostics Nichols Institute San Juan Capistrano); PubMed 32255556 (cited by Quest Diagnostics Nichols Institute San Juan Capistrano); PubMed 32719484 (cited by Quest Diagnostics Nichols Institute San Juan Capistrano); PubMed 33087929 (cited by Quest Diagnostics Nichols Institute San Juan Capistrano); PubMed 33654310 (cited by Quest Diagnostics Nichols Institute San Juan Capistrano); PubMed 26041759 (cited by Quest Diagnostics Nichols Institute San Juan Capistrano); PubMed 12955716 (cited by 3 submitters); PubMed 26295337 (cited by Quest Diagnostics Nichols Institute San Juan Capistrano); PubMed 8896551 (cited by Women's Health and Genetics/Laboratory Corporation of America, LabCorp); PubMed 10227398 (cited by Women's Health and Genetics/Laboratory Corporation of America, LabCorp); PubMed 20859677 (cited by Women's Health and Genetics/Laboratory Corporation of America, LabCorp); PubMed 9585608 (cited by Women's Health and Genetics/Laboratory Corporation of America, LabCorp); PubMed 38922859 (cited by Molecular Oncology, Hospital Universitario Central de Asturias (HUCA)); PubMed 10433620 (cited by Pathway Genomics); PubMed 17850627 (cited by Pathway Genomics); PubMed 12698193 (cited by Pathway Genomics and Counsyl); PubMed 10595255 (cited by Pathway Genomics); PubMed 8988179 (cited by Pathway Genomics); PubMed 9585613 (cited by Counsyl and OMIM).